The following is an entry in ClinVar:

NM_152564.5(VPS13B):c.4807C>T (p.Gln1603Ter)

Gene: VPS13B (vacuolar protein sorting 13 homolog B; plus strand). Cytogenetic location: 8q22.2.
Variant type: single nucleotide variant.
Coding change: c.4807C>T on transcript NM_152564.5 (MANE Select); coding-DNA position 4807, C replaced by T.
Protein change: p.Gln1603Ter; replaces glutamine 1603 with a stop codon.
Molecular consequence: nonsense.
Genome position (GRCh38, 1-based): chr8:99,556,511, C>T. VCF-style: chr8-99556511-C-T. GRCh37 (hg19) VCF-style: chr8-100568739-C-T.
Other names: c.4882C>T, p.Gln1628Ter (NM_017890.5); short protein forms Q1628*, Q1603*.
Identifiers: ClinVar variation 1372233 (VCV001372233.6), dbSNP rs2133764725, ClinGen allele CA371869079.

ClinVar aggregate classification (germline): Pathogenic (1 of 4 stars; one submission).

Conditions:
Cohen syndrome (COH1). Also called: PEPPER SYNDROME; Cutis verticis gyrata, retinitis pigmentosa, and sensorineural deafness. Identifiers: Orphanet 193, MedGen C0265223, MONDO:0008999, OMIM 216550.

gnomAD v4.1: 1 of 1,613,006 alleles (0.000062%); highest among the groups gnomAD compares: Non-Finnish European, 0.000085%; no homozygotes.

Submission:

Labcorp Genetics (formerly Invitae), Labcorp
Classification: Pathogenic for Cohen syndrome. Last evaluated: 2024-02-23. Review status: criteria provided, single submitter. Criteria: Invitae Variant Classification Sherloc (09022015). Collection method: clinical testing. Allele origin: germline.
Comment: This sequence change creates a premature translational stop signal (p.Gln1628*) in the VPS13B gene. It is expected to result in an absent or disrupted protein product. Loss-of-function variants in VPS13B are known to be pathogenic (PMID: 15141358, 16648375, 20461111). This variant is not present in population databases (gnomAD no frequency). This variant has not been reported in the literature in individuals affected with VPS13B-related conditions. ClinVar contains an entry for this variant (Variation ID: 1372233). For these reasons, this variant has been classified as Pathogenic.

Literature cited by the submitters: PubMed 15141358; PubMed 16648375; PubMed 20461111.